The following is an entry in ClinVar:

ClinVar aggregate classification (germline): Uncertain significance (1 of 4 stars; one submission).

Submission:

Labcorp Genetics (formerly Invitae), Labcorp
Classification: Uncertain significance. Last evaluated: 2019-12-30. Review status: criteria provided, single submitter. Criteria: Invitae Variant Classification Sherloc (09022015). Collection method: clinical testing. Allele origin: germline.
Comment: This variant is an out-of-frame deletion of the genomic region encompassing exon(s) 3 of the RGR gene. This is expected to create a premature translational stop signal and result in an absent or disrupted protein product. This variant has not been reported in the literature in individuals with RGR-related conditions. The current clinical and genetic evidence is not sufficient to establish whether loss-of-function variants in RGR cause disease. In summary, the available evidence is currently insufficient to determine the role of this variant in disease. Therefore, it has been classified as a Variant of Uncertain Significance.

NC_000010.11:g.(?_84248910)_(84249043_?)del

Gene: RGR (retinal G protein coupled receptor; plus strand). Cytogenetic location: 10q23.1.
Variant type: Deletion.
Identifiers: ClinVar variation 832950 (VCV000832950.1).